The following is an entry in ClinVar:

NM_000143.4(FH):c.1439C>T (p.Ser480Leu)

Gene: FH (fumarate hydratase; minus strand). Cytogenetic location: 1q43.
Variant type: single nucleotide variant.
Coding change: c.1439C>T on transcript NM_000143.4 (MANE Select); coding-DNA position 1439, C replaced by T.
Protein change: p.Ser480Leu; replaces serine 480 with leucine.
Molecular consequence: missense variant.
Genome position (GRCh38, 1-based): chr1:241,497,922, G>A on the plus strand (C>T on the coding strand, the complement: FH is on the minus strand). VCF-style: chr1-241497922-G-A. GRCh37 (hg19) VCF-style: chr1-241661222-G-A.
Other names: c.1439C>T (NM_000143.3); short protein forms S480L.
Identifiers: ClinVar variation 1479073 (VCV001479073.9), dbSNP rs1131691245, ClinGen allele CA345450689.

ClinVar aggregate classification (germline): Uncertain significance. Review status: criteria provided, multiple submitters, no conflicts (2 of 4 stars). 2 submissions from 2 submitters: Uncertain significance (2). Last evaluated 2025-10-06.

Conditions:
Hereditary cancer-predisposing syndrome. Also called: Tumor predisposition; Hereditary Cancer Syndrome; Hereditary neoplastic syndrome; Neoplastic Syndromes, Hereditary. Identifiers: Orphanet 140162, MedGen C0027672, MeSH D009386, MONDO:0015356.

Submissions (2):

Ambry Genetics
Classification: Uncertain significance for Hereditary cancer-predisposing syndrome. Last evaluated: 2025-10-06. Review status: criteria provided, single submitter. Criteria: Ambry Variant Classification Scheme 2023. Collection method: clinical testing. Allele origin: germline.
Comment: The p.S480L variant (also known as c.1439C>T), located in coding exon 10 of the FH gene, results from a C to T substitution at nucleotide position 1439. The serine at codon 480 is replaced by leucine, an amino acid with dissimilar properties. This amino acid position is conserved. In addition, the in silico prediction for this alteration is inconclusive. Based on the available evidence, the clinical significance of this variant remains unclear.

Labcorp Genetics (formerly Invitae), Labcorp
Classification: Uncertain significance. Last evaluated: 2021-06-11. Review status: criteria provided, single submitter. Criteria: Invitae Variant Classification Sherloc (09022015). Collection method: clinical testing. Allele origin: germline.
Comment: This sequence change replaces serine with leucine at codon 480 of the FH protein (p.Ser480Leu). The serine residue is weakly conserved and there is a large physicochemical difference between serine and leucine. This variant is not present in population databases (ExAC no frequency). This variant has not been reported in the literature in individuals with FH-related conditions. Advanced modeling of protein sequence and biophysical properties (such as structural, functional, and spatial information, amino acid conservation, physicochemical variation, residue mobility, and thermodynamic stability) performed at Invitae indicates that this missense variant is not expected to disrupt FH protein function. In summary, the available evidence is currently insufficient to determine the role of this variant in disease. Therefore, it has been classified as a Variant of Uncertain Significance.